The following is an entry in ClinVar:

ClinVar aggregate classification (germline): Benign. Review status: criteria provided, multiple submitters, no conflicts (2 of 4 stars). 13 submissions from 11 submitters: Benign (12). 1 of the submissions does not count toward it. Last evaluated 2026-06-19.

Conditions:
Usher syndrome type 1 (USH1). Also called: RETINITIS PIGMENTOSA AND CONGENITAL DEAFNESS. Identifiers: Orphanet 231169, Orphanet 886, MedGen C1568247, MONDO:0010168, OMIM 276900.
Autosomal recessive nonsyndromic hearing loss 12. Also called: DEAFNESS, AUTOSOMAL RECESSIVE 12. Identifiers: Orphanet 90636, MedGen C1832394, MONDO:0011067, OMIM 601386.
Usher syndrome type 1D (USH1D). Also called: USHER SYNDROME, TYPE ID. Identifiers: Orphanet 231169, Orphanet 886, MedGen C1832845, MONDO:0010984, OMIM 601067.

Allele frequency attached by ClinVar (database versions not stated): ESP Exome Variant Server 0.00307; gnomAD 0.01745 and 0.02061; 1000 Genomes Project 30x 0.05403; gnomAD exomes 0.01432 and 0.04386; 1000 Genomes Project 0.05651; TOPMed 0.03006; ExAC 0.03692.
gnomAD v4.1: 24,521 of 1,613,768 alleles (1.5%); highest among the groups gnomAD compares: East Asian, 20%; 1,980 homozygotes.

Submissions (13):

Women's Health and Genetics/Laboratory Corporation of America, LabCorp
Classification: Benign. Last evaluated: 2026-06-19. Review status: criteria provided, single submitter. Criteria: LabCorp Variant Classification Summary - May 2015. Collection method: clinical testing. Allele origin: germline.

Labcorp Genetics (formerly Invitae), Labcorp
Classification: Benign. Last evaluated: 2026-02-04. Review status: criteria provided, single submitter. Criteria: Invitae Variant Classification Sherloc (09022015). Collection method: clinical testing. Allele origin: germline.

ARUP Laboratories, Molecular Genetics and Genomics, ARUP Laboratories
Classification: Benign. Last evaluated: 2023-11-29. Review status: criteria provided, single submitter. Criteria: ARUP Molecular Germline Variant Investigation Process 2024. Collection method: clinical testing. Allele origin: germline.

Mayo Clinic Laboratories, Mayo Clinic
Classification: Benign. Last evaluated: 2022-04-17. Review status: criteria provided, single submitter. Criteria: ACMG Guidelines, 2015. Collection method: clinical testing. Allele origin: germline. Observed: 11 variant alleles.

Genome-Nilou Lab
Classification: Benign for Usher syndrome type 1D. Last evaluated: 2021-07-01. Review status: criteria provided, single submitter. Criteria: ACMG Guidelines, 2015. Collection method: clinical testing. Allele origin: germline. Affected: no.

Genome-Nilou Lab
Classification: Benign for Autosomal recessive nonsyndromic hearing loss 12. Last evaluated: 2021-07-01. Review status: criteria provided, single submitter. Criteria: ACMG Guidelines, 2015. Collection method: clinical testing. Allele origin: germline. Affected: no.

Illumina Laboratory Services, Illumina
Classification: Benign for Autosomal recessive nonsyndromic hearing loss 12. Last evaluated: 2018-01-13. Review status: criteria provided, single submitter. Criteria: ICSL Variant Classification Criteria 13 December 2019. Collection method: clinical testing. Allele origin: germline.
Comment: This variant was observed in the ICSL laboratory as part of a predisposition screen in an ostensibly healthy population. It had not been previously curated by ICSL or reported in the Human Gene Mutation Database (HGMD: prior to June 1st, 2018), and was therefore a candidate for classification through an automated scoring system. Utilizing variant allele frequency, disease prevalence and penetrance estimates, and inheritance mode, an automated score was calculated to assess if this variant is too frequent to cause the disease. Based on the score and internal cut-off values, a variant classified as benign is not then subjected to further curation. The score for this variant resulted in a classification of benign for this disease.

Illumina Laboratory Services, Illumina
Classification: Benign for Usher syndrome type 1D. Last evaluated: 2018-01-13. Review status: criteria provided, single submitter. Criteria: ICSL Variant Classification Criteria 13 December 2019. Collection method: clinical testing. Allele origin: germline.
Comment: the same text as in the submission from Illumina Laboratory Services, Illumina above.

Eurofins Ntd Llc (ga)
Classification: Benign. Last evaluated: 2013-10-08. Review status: criteria provided, single submitter. Criteria: EGL Classification Definitions 2015. Collection method: clinical testing. Allele origin: germline. Observed: 2 variant alleles, 1 heterozygote, 1 homozygote.

GeneDx
Classification: Benign. Last evaluated: 2013-03-05. Review status: criteria provided, single submitter. Criteria: GeneDx Variant Classification (06012015). Collection method: clinical testing. Allele origin: germline. Affected: yes.
Comment: This variant is considered likely benign or benign based on one or more of the following criteria: it is a conservative change, it occurs at a poorly conserved position in the protein, it is predicted to be benign by multiple in silico algorithms, and/or has population frequency not consistent with disease.

Laboratory for Molecular Medicine, Mass General Brigham Personalized Medicine
Classification: Benign. Last evaluated: 2009-06-12. Review status: criteria provided, single submitter. Criteria: LMM Criteria. Collection method: clinical testing. Allele origin: germline. Observed: 139 variant alleles.

Breakthrough Genomics
Classification: Benign. Review status: criteria provided, single submitter. Criteria: ACMG Guidelines, 2015. Collection method: not provided. Allele origin: germline. Inheritance: Autosomal recessive inheritance. Affected: yes.

Natera, Inc.
Classification: Benign for Usher syndrome type 1. Last evaluated: 2020-09-16. Review status: no assertion criteria provided. Collection method: clinical testing. Allele origin: germline. Not counted in ClinVar's aggregate classification.

Literature cited by the submitters: PubMed 18429043 (cited by Laboratory for Molecular Medicine, Mass General Brigham Personalized Medicine); PubMed 17850630 (cited by Laboratory for Molecular Medicine, Mass General Brigham Personalized Medicine).

NM_022124.6(CDH23):c.2424G>A (p.Gly808=)

Gene: CDH23 (cadherin related 23; plus strand). Cytogenetic location: 10q22.1.
Variant type: single nucleotide variant.
Coding change: c.2424G>A on transcript NM_022124.6 (MANE Select); coding-DNA position 2424, G replaced by A.
Protein change: p.Gly808=; no amino-acid change (glycine 808 retained).
Molecular consequence: synonymous variant.
Genome position (GRCh38, 1-based): chr10:71,702,048, G>A. VCF-style: chr10-71702048-G-A. GRCh37 (hg19) VCF-style: chr10-73461805-G-A.
Other names: p.G808G:GGG>GGA; p.Gly808=; c.2424G>A, p.Gly808= (NM_001171930.2, NM_001171931.2).
Identifiers: ClinVar variation 45897 (VCV000045897.35), dbSNP rs76601590, ClinGen allele CA137328.